The following is an entry in ClinVar:

ClinVar aggregate classification (germline): Likely benign. Review status: criteria provided, multiple submitters, no conflicts (2 of 4 stars). 4 submissions from 4 submitters: Likely benign (4). Last evaluated 2026-02-01.

Conditions:
LRPPRC-related disorder. Also called: LRPPRC-related condition.

Allele frequency attached by ClinVar (database versions not stated): gnomAD exomes 0.00006 and 0.00011; ExAC 0.00016; ESP Exome Variant Server 0.00031; TOPMed 0.00032; gnomAD 0.00035 and 0.00036; 1000 Genomes Project 0.00060; 1000 Genomes Project 30x 0.00062.
gnomAD v4.1: 139 of 1,609,496 alleles (0.0086%); highest among the groups gnomAD compares: African/African-American, 0.12%; 2 homozygotes.

Submissions (4):

CeGaT Center for Human Genetics Tuebingen
Classification: Likely benign. Last evaluated: 2026-02-01. Review status: criteria provided, single submitter. Criteria: CeGaT Center For Human Genetics Tuebingen Variant Classification Criteria Version 2. Collection method: clinical testing. Allele origin: germline. Affected: yes. Observed: 1 variant allele.
Comment: LRPPRC: BP4, BP7

Labcorp Genetics (formerly Invitae), Labcorp
Classification: Likely benign. Last evaluated: 2025-10-14. Review status: criteria provided, single submitter. Criteria: Invitae Variant Classification Sherloc (09022015). Collection method: clinical testing. Allele origin: germline.

PreventionGenetics, part of Exact Sciences
Classification: Likely benign for LRPPRC-related condition. Last evaluated: 2024-11-25. Review status: criteria provided, single submitter. Criteria: ACMG Guidelines, 2015. Collection method: clinical testing. Allele origin: germline.
Comment: This variant is classified as likely benign based on ACMG/AMP sequence variant interpretation guidelines (Richards et al. 2015 PMID: 25741868, with internal and published modifications).

GeneDx
Classification: Likely benign. Last evaluated: 2016-03-17. Review status: criteria provided, single submitter. Criteria: GeneDx Variant Classification (06012015). Collection method: clinical testing. Allele origin: germline. Affected: yes.
Comment: This variant is considered likely benign or benign based on one or more of the following criteria: it is a conservative change, it occurs at a poorly conserved position in the protein, it is predicted to be benign by multiple in silico algorithms, and/or has population frequency not consistent with disease.

NM_133259.4(LRPPRC):c.3585C>T (p.Ala1195=)

Gene: LRPPRC (leucine rich pentatricopeptide repeat containing; minus strand). Cytogenetic location: 2p21.
Variant type: single nucleotide variant.
Coding change: c.3585C>T on transcript NM_133259.4 (MANE Select); coding-DNA position 3585, C replaced by T.
Protein change: p.Ala1195=; no amino-acid change (alanine 1195 retained).
Molecular consequence: synonymous variant.
Genome position (GRCh38, 1-based): chr2:43,899,590, G>A on the plus strand (C>T on the coding strand, the complement: LRPPRC is on the minus strand). VCF-style: chr2-43899590-G-A. GRCh37 (hg19) VCF-style: chr2-44126729-G-A.
Identifiers: ClinVar variation 380070 (VCV000380070.17), dbSNP rs139109482, ClinGen allele CA1638019.
Genomic context (GRCh38, chr2:43,899,590, plus strand): 5'-GTATTGGGGTTCAATGACTTTATTCTCTGAAGTAAGCATATTTTCAATGTTTTCTATTGC[G>A]GCATCTATGTTATTACTGTTAAAAGCAAAATAAATTACTTAAAAATTTGCTTTTATGTTA-3'
Protein context (NP_573566.2, residues 1185-1205): LAQIKNNNID[Ala1195=]AIENIENMLT